The following is an entry in ClinVar:

NM_032538.3(TTBK1):c.3606T>G (p.Thr1202=)

Gene: TTBK1 (tau tubulin kinase 1; plus strand). Cytogenetic location: 6p21.1.
Variant type: single nucleotide variant.
Coding change: c.3606T>G on transcript NM_032538.3 (MANE Select); coding-DNA position 3606, T replaced by G.
Protein change: p.Thr1202=; no amino-acid change (threonine 1202 retained).
Molecular consequence: synonymous variant.
Genome position (GRCh38, 1-based): chr6:43,285,016, T>G. VCF-style: chr6-43285016-T-G. GRCh37 (hg19) VCF-style: chr6-43252754-T-G.
Identifiers: ClinVar variation 2656593 (VCV002656593.24), dbSNP rs2534143900, ClinGen allele CA450376191.
Genomic context (GRCh38, chr6:43,285,016, plus strand): 5'-TTTCTCCTGCCTTCTGCTCTCAAGCAGGCTCCAGCTGCAGACGCCCCCAGGGTCGGCCAC[T>G]GCTGCTGACCTCCGCCCCAAACAACCTCCTGGCCGCGGCCTGGGCCCAGGGCGAGCCCAA-3'
Protein context (NP_115927.1, residues 1192-1212): LQLQTPPGSA[Thr1202=]AADLRPKQPP

ClinVar aggregate classification (germline): Likely benign (1 of 4 stars; one submission).

Submission:

CeGaT Center for Human Genetics Tuebingen
Classification: Likely benign. Last evaluated: 2023-01-01. Review status: criteria provided, single submitter. Criteria: CeGaT Center For Human Genetics Tuebingen Variant Classification Criteria Version 2. Collection method: clinical testing. Allele origin: germline. Affected: yes. Observed: 1 variant allele.
Comment: TTBK1: PM2:Supporting, BP4, BP7